The following is an entry in ClinVar:

ClinVar aggregate classification (germline): Uncertain significance. Review status: criteria provided, multiple submitters, no conflicts (2 of 4 stars). 13 submissions from 12 submitters: Uncertain significance (11). 2 of the submissions do not count toward it. Last evaluated 2026-02-03.

Conditions:
Familial ovarian cancer. Identifiers: MedGen C5679802, MONDO:0016248.
Hereditary cancer-predisposing syndrome. Also called: Neoplastic Syndromes, Hereditary; Tumor predisposition; Hereditary neoplastic syndrome; Hereditary Cancer Syndrome. Identifiers: Orphanet 140162, MedGen C0027672, MeSH D009386, MONDO:0015356.
BRIP1-related disorder. Also called: BRIP1-related condition; BRIP1-related disorders. Identifiers: MedGen CN239206.
Breast and/or ovarian cancer. Identifiers: MedGen CN221562.
Familial cancer of breast. Also called: Hereditary breast cancer; BREAST CANCER, FAMILIAL; hereditary breast carcinoma. Identifiers: Orphanet 227535, MedGen C0346153, MONDO:0016419, OMIM 114480. Disease mechanism: loss of function.
Fanconi anemia complementation group J. Also called: BRIP1-Related Fanconi Anemia. Identifiers: Orphanet 84, MedGen C1836860, MONDO:0012187, OMIM 609054.
Ovarian cancer. Also called: OVARIAN CANCER, SOMATIC. Identifiers: Orphanet 213500, MedGen C1140680, MONDO:0008170, OMIM 167000.
Hereditary breast ovarian cancer syndrome. Also called: Hereditary breast and/or ovarian cancer syndrome; Hereditary breast and ovarian cancer syndrome; Hereditary breast and ovarian cancer; Hereditary breast and ovarian cancer syndrome (HBOC); Breast and ovarian cancer; BRCA1- and BRCA2-Associated Hereditary Breast and Ovarian Cancer. Identifiers: Orphanet 145, MedGen C0677776, MeSH D061325, MONDO:0003582. Disease mechanism: loss of function.

Allele frequency attached by ClinVar (database versions not stated): gnomAD 0.00001; gnomAD exomes 0.00001 and 0.00005; TOPMed 0.00002.
gnomAD v4.1: 69 of 1,613,474 alleles (0.0043%); highest among the groups gnomAD compares: Non-Finnish European, 0.0058%; no homozygotes.

Submissions (13):

Labcorp Genetics (formerly Invitae), Labcorp
Classification: Uncertain significance for Familial cancer of breast; Fanconi anemia complementation group J. Last evaluated: 2026-02-03. Review status: criteria provided, single submitter. Criteria: Invitae Variant Classification Sherloc (09022015). Collection method: clinical testing. Allele origin: germline.
Comment: This sequence change replaces cysteine, which is neutral and slightly polar, with arginine, which is basic and polar, at codon 219 of the BRIP1 protein (p.Cys219Arg). This variant is present in population databases (rs730881630, gnomAD 0.002%). This missense change has been observed in individual(s) with ovarian cancer (PMID: 36169650). ClinVar contains an entry for this variant (Variation ID: 182341). Invitae Evidence Modeling of protein sequence and biophysical properties (such as structural, functional, and spatial information, amino acid conservation, physicochemical variation, residue mobility, and thermodynamic stability) has been performed for this missense variant. However, the output from this modeling did not meet the statistical confidence thresholds required to predict the impact of this variant on BRIP1 protein function. In summary, the available evidence is currently insufficient to determine the role of this variant in disease. Therefore, it has been classified as a Variant of Uncertain Significance.

Ambry Genetics
Classification: Uncertain significance for Hereditary cancer-predisposing syndrome. Last evaluated: 2025-08-08. Review status: criteria provided, single submitter. Criteria: Ambry Variant Classification Scheme 2023. Collection method: clinical testing. Allele origin: germline.
Comment: The p.C219R variant (also known as c.655T>C), located in coding exon 6 of the BRIP1 gene, results from a T to C substitution at nucleotide position 655. The cysteine at codon 219 is replaced by arginine, an amino acid with highly dissimilar properties. This amino acid position is highly conserved in available vertebrate species. In addition, the in silico prediction for this alteration is inconclusive. Since supporting evidence is limited at this time, the clinical significance of this alteration remains unclear.

Color Diagnostics, LLC DBA Color Health
Classification: Uncertain significance for Hereditary cancer-predisposing syndrome. Last evaluated: 2025-02-03. Review status: criteria provided, single submitter. Criteria: ACMG Guidelines, 2015. Collection method: clinical testing. Allele origin: germline.
Comment: This missense variant replaces cysteine with arginine at codon 219 of the BRIP1 protein. Computational prediction is inconclusive regarding the impact of this variant on protein structure and function. To our knowledge, functional studies have not been reported for this variant. This variant has not been reported in individuals affected with hereditary cancer in the literature. This variant has been identified in 2/250488 chromosomes in the general population by the Genome Aggregation Database (gnomAD). The available evidence is insufficient to determine the role of this variant in disease conclusively. Therefore, this variant is classified as a Variant of Uncertain Significance.

PreventionGenetics, part of Exact Sciences
Classification: Uncertain significance for BRIP1-related condition. Last evaluated: 2025-01-29. Review status: criteria provided, single submitter. Criteria: ACMG Guidelines, 2015. Collection method: clinical testing. Allele origin: germline.
Comment: The BRIP1 c.655T>C variant is predicted to result in the amino acid substitution p.Cys219Arg. To our knowledge, this variant has not been reported in the literature. This variant is reported in 0.0018% of alleles in individuals of European (Non-Finnish) descent in gnomAD. It is classified as a variant of uncertain significance by several laboratories in the ClinVar database. At this time, the clinical significance of this variant is uncertain due to the absence of conclusive functional and genetic evidence.

Molecular Pathology, Peter Maccallum Cancer Centre
Classification: Uncertain significance for Familial ovarian cancer. Last evaluated: 2024-12-14. Review status: criteria provided, single submitter. Criteria: ACMG Guidelines, 2015. Collection method: clinical testing. Allele origin: germline. Inheritance: Autosomal dominant inheritance.

GeneDx
Classification: Uncertain significance. Last evaluated: 2024-07-29. Review status: criteria provided, single submitter. Criteria: GeneDx Variant Classification Process June 2021. Collection method: clinical testing. Allele origin: germline. Affected: yes.
Comment: Observed in an individual with personal and family history of ovarian cancer (PMID: 36169650); Not observed at significant frequency in large population cohorts (gnomAD); In silico analysis supports that this missense variant has a deleterious effect on protein structure/function; This variant is associated with the following publications: (PMID: 31854063, 36169650)

Blueprint Genetics
Classification: Uncertain significance. Last evaluated: 2024-03-07. Review status: criteria provided, single submitter. Criteria: ACMG Guidelines, 2015. Collection method: clinical testing. Allele origin: germline.

Baylor Genetics
Classification: Uncertain significance for Familial cancer of breast. Last evaluated: 2024-02-13. Review status: criteria provided, single submitter. Criteria: ACMG Guidelines, 2015. Collection method: clinical testing. Allele origin: unknown.

Myriad Genetics, Inc.
Classification: Uncertain significance for Familial cancer of breast. Last evaluated: 2023-02-28. Review status: criteria provided, single submitter. Criteria: Myriad Autosomal Dominant, Autosomal Recessive and X-Linked Classification Criteria (2023). Collection method: clinical testing. Allele origin: unknown.
Comment: This variant is classified as a variant of uncertain significance as there is insufficient evidence to determine its impact on protein function and/or cancer risk.

CHEO Genetics Diagnostic Laboratory, Children's Hospital of Eastern Ontario
Classification: Uncertain significance for Breast and/or ovarian cancer. Last evaluated: 2022-12-30. Review status: criteria provided, single submitter. Criteria: ACMG Guidelines, 2015. Collection method: clinical testing. Allele origin: germline.

Department of Pathology and Laboratory Medicine, Sinai Health System
Classification: Uncertain significance for Hereditary breast ovarian cancer syndrome. Last evaluated: 2022-06-28. Review status: criteria provided, single submitter. Criteria: ACMG Guidelines, 2015. Collection method: clinical testing. Allele origin: germline. Affected: yes.

Counsyl
Classification: Uncertain significance for Fanconi anemia complementation group J. Last evaluated: 2016-10-31. Review status: no assertion criteria provided. Collection method: clinical testing. Allele origin: unknown. Not counted in ClinVar's aggregate classification.

Counsyl
Classification: Uncertain significance for Ovarian cancer. Last evaluated: 2016-10-31. Review status: no assertion criteria provided. Collection method: clinical testing. Allele origin: unknown. Not counted in ClinVar's aggregate classification.

Literature cited by the submitters: PubMed 36169650 (cited by Labcorp Genetics (formerly Invitae), Labcorp).

NM_032043.3(BRIP1):c.655T>C (p.Cys219Arg)

Gene: BRIP1 (BRCA1 interacting DNA helicase 1; minus strand). Cytogenetic location: 17q23.2.
Variant type: single nucleotide variant.
Coding change: c.655T>C on transcript NM_032043.3 (MANE Select); coding-DNA position 655, T replaced by C.
Protein change: p.Cys219Arg; replaces cysteine 219 with arginine.
Molecular consequence: missense variant.
Genome position (GRCh38, 1-based): chr17:61,808,730, A>G on the plus strand (T>C on the coding strand, the complement: BRIP1 is on the minus strand). VCF-style: chr17-61808730-A-G. GRCh37 (hg19) VCF-style: chr17-59886091-A-G.
Other names: p.C219R:TGT>CGT; short protein forms C219R.
Identifiers: ClinVar variation 182341 (VCV000182341.33), dbSNP rs730881630, ClinGen allele CA298857.
Genomic context (GRCh38, chr17:61,808,730, plus strand): 5'-CTGTATGATCCTTCTTAATGGTATTCGATGACTCTTGACTGTTTCCTTGTTTAGTAGAAC[A>G]ACAGCACCTAGAACAGTGGCCAGGGGGCTGTAAGAAAGGAAAGAAACGATAACTAATATC-3'
Protein context (NP_114432.2, residues 209-229): KPPGHCSRCC[Cys219Arg]STKQGNSQES